The following is an entry in ClinVar:

NM_001029883.3(PCARE):c.3083C>T (p.Thr1028Met)

Gene: PCARE (photoreceptor cilium actin regulator; minus strand). Cytogenetic location: 2p23.2.
Variant type: single nucleotide variant.
Coding change: c.3083C>T on transcript NM_001029883.3 (MANE Select); coding-DNA position 3083, C replaced by T.
Protein change: p.Thr1028Met; replaces threonine 1028 with methionine.
Molecular consequence: missense variant.
Genome position (GRCh38, 1-based): chr2:29,071,179, G>A on the plus strand (C>T on the coding strand, the complement: PCARE is on the minus strand). VCF-style: chr2-29071179-G-A. GRCh37 (hg19) VCF-style: chr2-29294045-G-A.
Other names: c.3083C>T (NM_001029883.2); short protein forms T1028M.
Identifiers: ClinVar variation 1044024 (VCV001044024.8), dbSNP rs767339069, ClinGen allele CA1592031.

ClinVar aggregate classification (germline): Uncertain significance. Review status: criteria provided, multiple submitters, no conflicts (2 of 4 stars). 2 submissions from 2 submitters: Uncertain significance (2). Last evaluated 2025-08-20.

Conditions:
PCARE-related disorder. Also called: PCARE-related condition.

Allele frequency attached by ClinVar (database versions not stated): gnomAD 0.00004 and 0.00005; TOPMed 0.00008; gnomAD exomes 0.00009 and 0.00010; ExAC 0.00015.

Submissions (2):

PreventionGenetics, part of Exact Sciences
Classification: Uncertain significance for PCARE-related condition. Last evaluated: 2025-08-20. Review status: criteria provided, single submitter. Criteria: ACMG Guidelines, 2015. Collection method: clinical testing. Allele origin: germline.
Comment: The PCARE c.3083C>T variant is predicted to result in the amino acid substitution p.Thr1028Met. To our knowledge, this variant has not been reported in the literature. This variant is present in 0.021% of alleles in individuals of Latino descent in gnomAD. At this time, the clinical significance of this variant is uncertain due to the absence of conclusive functional and genetic evidence.

Labcorp Genetics (formerly Invitae), Labcorp
Classification: Uncertain significance. Last evaluated: 2022-08-22. Review status: criteria provided, single submitter. Criteria: Invitae Variant Classification Sherloc (09022015). Collection method: clinical testing. Allele origin: germline.
Comment: This sequence change replaces threonine, which is neutral and polar, with methionine, which is neutral and non-polar, at codon 1028 of the PCARE protein (p.Thr1028Met). This variant is present in population databases (rs767339069, gnomAD 0.02%). This variant has not been reported in the literature in individuals affected with PCARE-related conditions. ClinVar contains an entry for this variant (Variation ID: 1044024). Algorithms developed to predict the effect of missense changes on protein structure and function are either unavailable or do not agree on the potential impact of this missense change (SIFT: "Tolerated"; PolyPhen-2: "Possibly Damaging"; Align-GVGD: "Class C0"). In summary, the available evidence is currently insufficient to determine the role of this variant in disease. Therefore, it has been classified as a Variant of Uncertain Significance.